The following is an entry in ClinVar:

NM_015107.3(PHF8):c.1041T>C (p.Tyr347=)

Gene: PHF8 (PHD finger protein 8; minus strand). Cytogenetic location: Xp11.22.
Variant type: single nucleotide variant.
Coding change: c.1041T>C on transcript NM_015107.3 (MANE Select); coding-DNA position 1041, T replaced by C.
Protein change: p.Tyr347=; no amino-acid change (tyrosine 347 retained).
Molecular consequence: synonymous variant.
Genome position (GRCh38, 1-based): chrX:54,002,255, A>G on the plus strand (T>C on the coding strand, the complement: PHF8 is on the minus strand). VCF-style: chrX-54002255-A-G. GRCh37 (hg19) VCF-style: chrX-54028688-A-G.
Other names: c.1149T>C, p.Tyr383= (NM_001184896.1); c.1041T>C, p.Tyr347= (NM_001184897.2, NM_001184898.2).
Identifiers: ClinVar variation 3035919 (VCV003035919.2), dbSNP rs1422286175, ClinGen allele CA516566112.

ClinVar aggregate classification (germline): Likely benign (0 of 4 stars; one submission).

Conditions:
PHF8-related disorder. Also called: PHF8-related condition.

Allele frequency attached by ClinVar (database versions not stated): TOPMed 0.00002.
gnomAD v4.1: 8 of 1,141,342 alleles (0.0007%); highest among the groups gnomAD compares: Non-Finnish European, 0.00084%; no homozygotes.

Submission:

PreventionGenetics, part of Exact Sciences
Classification: Likely benign for PHF8-related condition. Last evaluated: 2020-06-02. Review status: no assertion criteria provided. Collection method: clinical testing. Allele origin: germline.
Comment: This variant is classified as likely benign based on ACMG/AMP sequence variant interpretation guidelines (Richards et al. 2015 PMID: 25741868, with internal and published modifications).